The following is an entry in ClinVar:

ClinVar aggregate classification (germline): Uncertain significance (1 of 4 stars; one submission).

gnomAD v4.1: 8 of 1,613,518 alleles (0.0005%); highest among the groups gnomAD compares: Non-Finnish European, 0.00059%; no homozygotes.

Submission:

Labcorp Genetics (formerly Invitae), Labcorp
Classification: Uncertain significance. Last evaluated: 2025-03-22. Review status: criteria provided, single submitter. Criteria: Invitae Variant Classification Sherloc (09022015). Collection method: clinical testing. Allele origin: germline.
Comment: This sequence change replaces aspartic acid, which is acidic and polar, with asparagine, which is neutral and polar, at codon 1977 of the LRP2 protein (p.Asp1977Asn). This variant is present in population databases (rs750687896, gnomAD 0.0009%). This variant has not been reported in the literature in individuals affected with LRP2-related conditions. Invitae Evidence Modeling of protein sequence and biophysical properties (such as structural, functional, and spatial information, amino acid conservation, physicochemical variation, residue mobility, and thermodynamic stability) indicates that this missense variant is not expected to disrupt LRP2 protein function with a negative predictive value of 80%. In summary, the available evidence is currently insufficient to determine the role of this variant in disease. Therefore, it has been classified as a Variant of Uncertain Significance.

NM_004525.3(LRP2):c.5929G>A (p.Asp1977Asn)

Gene: LRP2 (LDL receptor related protein 2; minus strand). Cytogenetic location: 2q31.1.
Variant type: single nucleotide variant.
Coding change: c.5929G>A on transcript NM_004525.3 (MANE Select); coding-DNA position 5929, G replaced by A.
Protein change: p.Asp1977Asn; replaces aspartic acid 1977 with asparagine.
Molecular consequence: missense variant.
Genome position (GRCh38, 1-based): chr2:169,213,768, C>T on the plus strand (G>A on the coding strand, the complement: LRP2 is on the minus strand). VCF-style: chr2-169213768-C-T. GRCh37 (hg19) VCF-style: chr2-170070278-C-T.
Other names: short protein forms D1977N.
Identifiers: ClinVar variation 4762651 (VCV004762651.1).